The following is an entry in ClinVar:

ClinVar aggregate classification (germline): Conflicting classifications of pathogenicity. Review status: criteria provided, conflicting classifications (1 of 4 stars). 6 submissions from 5 submitters: Uncertain significance (2); Benign (1); Likely benign (3). Last evaluated 2026-06-29.

Conditions:
CDH23-related disorder. Also called: CDH23-related condition; CDH23-related disorders.
Autosomal recessive nonsyndromic hearing loss 12. Also called: DEAFNESS, AUTOSOMAL RECESSIVE 12. Identifiers: Orphanet 90636, MedGen C1832394, MONDO:0011067, OMIM 601386.
Usher syndrome type 1D (USH1D). Also called: USHER SYNDROME, TYPE ID. Identifiers: Orphanet 231169, Orphanet 886, MedGen C1832845, MONDO:0010984, OMIM 601067.

Allele frequency attached by ClinVar (database versions not stated): 1000 Genomes Project 0.00080; TOPMed 0.00099; gnomAD 0.00124 and 0.00126; ESP Exome Variant Server 0.00139; 1000 Genomes Project 30x 0.00078.
gnomAD v4.1: 2,907 of 1,613,542 alleles (0.18%); highest among the groups gnomAD compares: Non-Finnish European, 0.22%; 5 homozygotes.

Submissions (6):

PreventionGenetics, part of Exact Sciences
Classification: Likely benign for CDH23-related condition. Last evaluated: 2026-06-29. Review status: criteria provided, single submitter. Criteria: ACMG Guidelines, 2015. Collection method: clinical testing. Allele origin: germline.
Comment: This variant is classified as likely benign based on ACMG/AMP sequence variant interpretation guidelines (Richards et al. 2015 PMID: 25741868, with internal and published modifications).

Labcorp Genetics (formerly Invitae), Labcorp
Classification: Benign. Last evaluated: 2026-02-04. Review status: criteria provided, single submitter. Criteria: Invitae Variant Classification Sherloc (09022015). Collection method: clinical testing. Allele origin: germline.

Blueprint Genetics
Classification: Likely benign. Last evaluated: 2024-11-25. Review status: criteria provided, single submitter. Criteria: ACMG Guidelines, 2015. Collection method: clinical testing. Allele origin: germline.

Illumina Laboratory Services, Illumina
Classification: Uncertain significance for Autosomal recessive nonsyndromic hearing loss 12. Last evaluated: 2018-01-12. Review status: criteria provided, single submitter. Criteria: ICSL Variant Classification Criteria 13 December 2019. Collection method: clinical testing. Allele origin: germline.

Illumina Laboratory Services, Illumina
Classification: Uncertain significance for Usher syndrome type 1D. Last evaluated: 2018-01-12. Review status: criteria provided, single submitter. Criteria: ICSL Variant Classification Criteria 13 December 2019. Collection method: clinical testing. Allele origin: germline.

Laboratory for Molecular Medicine, Mass General Brigham Personalized Medicine
Classification: Likely benign. Last evaluated: 2017-04-25. Review status: criteria provided, single submitter. Criteria: LMM Criteria. Collection method: clinical testing. Allele origin: germline. Observed: 3 variant alleles.
Comment: c.5067+15G>A in intron 39 of CDH23: This variant is not expected to have clinica l significance because it is not located within the conserved splice consensus s equence and has been identified in 0.2% (260/126172) of European chromosomes by the Genome Aggregation Consortium (dbSNP rs367 928867).

NM_022124.6(CDH23):c.5067+15G>A

Gene: CDH23 (cadherin related 23; plus strand). Cytogenetic location: 10q22.1.
Variant type: single nucleotide variant.
Coding change: c.5067+15G>A on transcript NM_022124.6 (MANE Select); 15 bases into the intron after coding-DNA position 5067, G replaced by A.
Molecular consequence: intron variant.
Genome position (GRCh38, 1-based): chr10:71,777,916, G>A. VCF-style: chr10-71777916-G-A. GRCh37 (hg19) VCF-style: chr10-73537673-G-A.
Identifiers: ClinVar variation 178306 (VCV000178306.18), dbSNP rs367928867, ClinGen allele CA182077.